The following is an entry in ClinVar:

NM_005585.5(SMAD6):c.1004C>A (p.Ala335Glu)

Gene: SMAD6 (SMAD family member 6; plus strand). Cytogenetic location: 15q22.31.
Variant type: single nucleotide variant.
Coding change: c.1004C>A on transcript NM_005585.5 (MANE Select); coding-DNA position 1004, C replaced by A.
Protein change: p.Ala335Glu; replaces alanine 335 with glutamic acid.
Molecular consequence: missense variant. On other transcripts: non-coding transcript variant (1).
Genome position (GRCh38, 1-based): chr15:66,781,048, C>A. VCF-style: chr15-66781048-C-A. GRCh37 (hg19) VCF-style: chr15-67073386-C-A.
Other names: short protein forms A335E.
Identifiers: ClinVar variation 590965 (VCV000590965.4), dbSNP rs900988907, ClinGen allele CA393201656.
Genomic context (GRCh38, chr15:66,781,048, plus strand): 5'-GTCCCGCAGACGCCAGCATGTCTCCGGACGCCACCAAGCCGAGCCACTGGTGCAGCGTGG[C>A]GTACTGGGAGCACCGGACGCGCGTGGGCCGCCTCTATGCGGTGTACGACCAGGCCGTCAG-3'
Protein context (NP_005576.3, residues 325-345): ATKPSHWCSV[Ala335Glu]YWEHRTRVGR

ClinVar aggregate classification (germline): Uncertain significance. Review status: criteria provided, single submitter (1 of 4 stars). 2 submissions from 2 submitters: Uncertain significance (1). 1 of the submissions does not count toward it. Last evaluated 2025-03-14.

Conditions:
Aortic valve disease 1 (AOVD1). Identifiers: MedGen C3887892, MONDO:0024523, OMIM 109730.
Aortic valve disease 2 (AOVD2). Identifiers: MedGen C3542024, MONDO:0013902, OMIM 614823.

Allele frequency attached by ClinVar (database versions not stated): gnomAD exomes below 0.00001.
gnomAD v4.1: 2 of 1,601,564 alleles (0.00012%); highest among the groups gnomAD compares: Non-Finnish European, 0.000085%; no homozygotes.

Submissions (2):

Labcorp Genetics (formerly Invitae), Labcorp
Classification: Uncertain significance for Aortic valve disease 2. Last evaluated: 2025-03-14. Review status: criteria provided, single submitter. Criteria: Invitae Variant Classification Sherloc (09022015). Collection method: clinical testing. Allele origin: germline.
Comment: This sequence change replaces alanine, which is neutral and non-polar, with glutamic acid, which is acidic and polar, at codon 335 of the SMAD6 protein (p.Ala335Glu). This variant is not present in population databases (gnomAD no frequency). This missense change has been observed in individual(s) with bicuspid aortic valve-related aortopathy (PMID: 30796334). ClinVar contains an entry for this variant (Variation ID: 590965). Invitae Evidence Modeling of protein sequence and biophysical properties (such as structural, functional, and spatial information, amino acid conservation, physicochemical variation, residue mobility, and thermodynamic stability) has been performed for this missense variant. However, the output from this modeling did not meet the statistical confidence thresholds required to predict the impact of this variant on SMAD6 protein function. In summary, the available evidence is currently insufficient to determine the role of this variant in disease. Therefore, it has been classified as a Variant of Uncertain Significance.

Centre of Medical Genetics, University of Antwerp
Classification: Likely pathogenic for Aortic valve disease 1. Last evaluated: 2020-06-04. Review status: no assertion criteria provided. Collection method: research. Allele origin: germline. Affected: yes. Observed: 1 variant allele. Not counted in ClinVar's aggregate classification.

Literature cited by the submitters: PubMed 30796334 (cited by Labcorp Genetics (formerly Invitae), Labcorp).